The following is an entry in ClinVar:

NM_005159.5(ACTC1):c.93T>C (p.Ala31=)

Genes: ACTC1 (actin alpha cardiac muscle 1; minus strand), GJD2-DT (GJD2 divergent transcript; plus strand). Cytogenetic location: 15q14.
Variant type: single nucleotide variant.
Coding change: c.93T>C on transcript NM_005159.5 (MANE Select); coding-DNA position 93, T replaced by C.
Protein change: p.Ala31=; no amino-acid change (alanine 31 retained).
Molecular consequence: synonymous variant.
Genome position (GRCh38, 1-based): chr15:34,794,716, A>G on the plus strand (T>C on the coding strand, the complement: ACTC1 is on the minus strand). VCF-style: chr15-34794716-A-G. GRCh37 (hg19) VCF-style: chr15-35086917-A-G.
Identifiers: ClinVar variation 927700 (VCV000927700.40), dbSNP rs1341945129, ClinGen allele CA489420820.

ClinVar aggregate classification (germline): Likely benign. Review status: criteria provided, multiple submitters, no conflicts (2 of 4 stars). 7 submissions from 7 submitters: Likely benign (7). Last evaluated 2025-08-30.

Conditions:
Hypertrophic cardiomyopathy. Also called: HYPERTROPHIC MYOCARDIOPATHY. Identifiers: Orphanet 217569, MedGen C0007194, MeSH D002312, MONDO:0005045, HP:0001639.
Cardiomyopathy (CMYO). Also called: Cardiomyopathies. Identifiers: Orphanet 167848, MedGen C0878544, MONDO:0004994, HP:0001638. Inheritance: Various modes of inheritance.
Cardiovascular phenotype. Identifiers: MedGen CN230736.
Dilated cardiomyopathy 1R (CMD1R). Identifiers: Orphanet 154, Orphanet 54260, MedGen C3150681, MONDO:0013261, OMIM 613424.
Atrial septal defect 5 (ASD5). Identifiers: Orphanet 1478, MedGen C2748552, MONDO:0013011, OMIM 612794.
Hypertrophic cardiomyopathy 11. Also called: ACTC1-Related Familial Hypertrophic Cardiomyopathy. Identifiers: MedGen C2677506, MONDO:0012799, OMIM 612098.

Allele frequency attached by ClinVar (database versions not stated): gnomAD 0.00001; TOPMed 0.00001.
gnomAD v4.1: 23 of 1,612,964 alleles (0.0014%); highest among the groups gnomAD compares: African/African-American, 0.0013%; no homozygotes.

Submissions (7):

Labcorp Genetics (formerly Invitae), Labcorp
Classification: Likely benign for Dilated cardiomyopathy 1R; Hypertrophic cardiomyopathy 11; Atrial septal defect 5. Last evaluated: 2025-08-30. Review status: criteria provided, single submitter. Criteria: Invitae Variant Classification Sherloc (09022015). Collection method: clinical testing. Allele origin: germline.

All of Us Research Program, National Institutes of Health
Classification: Likely benign for Hypertrophic cardiomyopathy. Last evaluated: 2024-09-23. Review status: criteria provided, single submitter. Criteria: ACMG Guidelines, 2015. Collection method: clinical testing. Allele origin: germline. Inheritance: Autosomal dominant inheritance. Observed: 7 variant alleles, 7 heterozygotes.
Comment: This study involves interpretation of variants in research participants for the purpose of population health screening. Participant phenotype was not available at the time of variant classification. Additional details can be found in publication PMID: 35346344, PMCID: PMC8962531

Blueprint Genetics
Classification: Likely benign. Last evaluated: 2023-08-11. Review status: criteria provided, single submitter. Criteria: ACMG Guidelines, 2015. Collection method: clinical testing. Allele origin: germline.

CeGaT Center for Human Genetics Tuebingen
Classification: Likely benign. Last evaluated: 2023-02-01. Review status: criteria provided, single submitter. Criteria: CeGaT Center For Human Genetics Tuebingen Variant Classification Criteria Version 2. Collection method: clinical testing. Allele origin: germline. Affected: yes. Observed: 1 variant allele.
Comment: ACTC1: BP4, BP7

CHEO Genetics Diagnostic Laboratory, Children's Hospital of Eastern Ontario
Classification: Likely benign for Cardiomyopathy. Last evaluated: 2023-01-30. Review status: criteria provided, single submitter. Criteria: ACMG Guidelines, 2015. Collection method: clinical testing. Allele origin: germline.

Ambry Genetics
Classification: Likely benign for Cardiovascular phenotype. Last evaluated: 2020-08-08. Review status: criteria provided, single submitter. Criteria: Ambry Variant Classification Scheme 2023. Collection method: clinical testing. Allele origin: germline.

Color Diagnostics, LLC DBA Color Health
Classification: Likely benign for Cardiomyopathy. Last evaluated: 2018-11-25. Review status: criteria provided, single submitter. Criteria: ACMG Guidelines, 2015. Collection method: clinical testing. Allele origin: germline.